The following is an entry in ClinVar:

NM_001848.3(COL6A1):c.2742C>T (p.Thr914=)

Gene: COL6A1 (collagen type VI alpha 1 chain; plus strand). Cytogenetic location: 21q22.3.
Variant type: single nucleotide variant.
Coding change: c.2742C>T on transcript NM_001848.3 (MANE Select); coding-DNA position 2742, C replaced by T.
Protein change: p.Thr914=; no amino-acid change (threonine 914 retained).
Molecular consequence: synonymous variant.
Genome position (GRCh38, 1-based): chr21:46,003,668, C>T. VCF-style: chr21-46003668-C-T. GRCh37 (hg19) VCF-style: chr21-47423582-C-T.
Identifiers: ClinVar variation 93867 (VCV000093867.31), dbSNP rs115163637, ClinGen allele CA147392.

ClinVar aggregate classification (germline): Benign/Likely benign. Review status: criteria provided, multiple submitters, no conflicts (2 of 4 stars). 6 submissions from 6 submitters: Benign (3); Likely benign (3). Last evaluated 2026-04-01.

Conditions:
Collagen 6-related myopathy. Identifiers: MedGen CN117976, MONDO:0100225.
Bethlem myopathy 1A. Also called: MYOPATHY, BENIGN CONGENITAL, WITH CONTRACTURES; Bethlem myopathy 1; Bethlem Muscular Dystrophy. Identifiers: Orphanet 610, MedGen CN029274, MONDO:0024530, OMIM 158810.

Allele frequency attached by ClinVar (database versions not stated): gnomAD exomes 0.00072; ExAC 0.00092; ESP Exome Variant Server 0.00246; 1000 Genomes Project 0.00260; 1000 Genomes Project 30x 0.00265; gnomAD 0.00323 and 0.00349; TOPMed 0.00345.
gnomAD v4.1: 967 of 1,613,090 alleles (0.06%); highest among the groups gnomAD compares: African/African-American, 1.2%; 7 homozygotes.

Submissions (6):

CeGaT Center for Human Genetics Tuebingen
Classification: Likely benign. Last evaluated: 2026-04-01. Review status: criteria provided, single submitter. Criteria: CeGaT Center For Human Genetics Tuebingen Variant Classification Criteria Version 2. Collection method: clinical testing. Allele origin: germline. Affected: yes. Observed: 2 variant alleles.
Comment: COL6A1: BP4, BP7, BS1

Labcorp Genetics (formerly Invitae), Labcorp
Classification: Benign for Bethlem myopathy 1A. Last evaluated: 2026-01-22. Review status: criteria provided, single submitter. Criteria: Invitae Variant Classification Sherloc (09022015). Collection method: clinical testing. Allele origin: germline.

GeneDx
Classification: Likely benign. Last evaluated: 2020-06-29. Review status: criteria provided, single submitter. Criteria: GeneDx Variant Classification (06012015). Collection method: clinical testing. Allele origin: germline. Affected: yes.

Illumina Laboratory Services, Illumina
Classification: Benign for Collagen VI-related myopathy. Last evaluated: 2018-01-13. Review status: criteria provided, single submitter. Criteria: ICSL Variant Classification Criteria 13 December 2019. Collection method: clinical testing. Allele origin: germline.
Comment: This variant was observed in the ICSL laboratory as part of a predisposition screen in an ostensibly healthy population. It had not been previously curated by ICSL or reported in the Human Gene Mutation Database (HGMD: prior to June 1st, 2018), and was therefore a candidate for classification through an automated scoring system. Utilizing variant allele frequency, disease prevalence and penetrance estimates, and inheritance mode, an automated score was calculated to assess if this variant is too frequent to cause the disease. Based on the score and internal cut-off values, a variant classified as benign is not then subjected to further curation. The score for this variant resulted in a classification of benign for this disease.

Eurofins Ntd Llc (ga)
Classification: Benign. Last evaluated: 2015-02-20. Review status: criteria provided, single submitter. Criteria: EGL Classification Definitions 2015. Collection method: clinical testing. Allele origin: germline. Observed: 2 variant alleles, 2 heterozygotes.

PreventionGenetics, part of Exact Sciences
Classification: Likely benign. Review status: criteria provided, single submitter. Criteria: ACMG Guidelines, 2015. Collection method: clinical testing. Allele origin: germline.